The following is an entry in ClinVar:

ClinVar aggregate classification (germline): Uncertain significance (1 of 4 stars; one submission).

Conditions:
Retinitis pigmentosa 12 (RP12). Also called: RP WITH OR WITHOUT PPRPE; RP WITH OR WITHOUT PRESERVED PARAARTERIOLE RETINAL PIGMENT EPITHELIUM; RETINITIS PIGMENTOSA WITH OR WITHOUT PARAARTERIOLAR PRESERVATION OF RETINAL PIGMENT EPITHELIUM. Identifiers: Orphanet 791, MedGen C1838647, MONDO:0010818, OMIM 600105.

Submission:

3billion
Classification: Uncertain significance for Retinitis pigmentosa 12. Last evaluated: 2023-02-23. Review status: criteria provided, single submitter. Criteria: ACMG Guidelines, 2015. Collection method: clinical testing. Allele origin: unknown. Affected: yes.
Comment: The variant is not observed in the gnomAD v2.1.1 dataset. A different missense change at the same codon (p.Cys606Arg) has been reported to be associated with CRB1 related disorder (PMID: 25611614). However, the evidence of pathogenicity is insufficient at this time. Therefore, this variant is classified as VUS according to the recommendation of ACMG/AMP guideline.

Literature cited by the submitters: PubMed 25611614.

NM_201253.3(CRB1):c.1817G>A (p.Cys606Tyr)

Gene: CRB1 (crumbs cell polarity complex component 1; plus strand). Cytogenetic location: 1q31.3.
Variant type: single nucleotide variant.
Coding change: c.1817G>A on transcript NM_201253.3 (MANE Select); coding-DNA position 1817, G replaced by A.
Protein change: p.Cys606Tyr; replaces cysteine 606 with tyrosine.
Molecular consequence: missense variant. On other transcripts: non-coding transcript variant (1).
Genome position (GRCh38, 1-based): chr1:197,421,645, G>A. VCF-style: chr1-197421645-G-A. GRCh37 (hg19) VCF-style: chr1-197390775-G-A.
Other names: c.1481G>A, p.Cys494Tyr (NM_001193640.2); c.1610G>A, p.Cys537Tyr (NM_001257965.2); c.1817G>A, p.Cys606Tyr (NM_001257966.2); short protein forms C494Y, C537Y, C606Y.
Identifiers: ClinVar variation 2444308 (VCV002444308.1), dbSNP rs2528111668, ClinGen allele CA344032679.